The following is an entry in ClinVar:

ClinVar aggregate classification (germline): Uncertain significance (1 of 4 stars; one submission).

Conditions:
EGFR-related lung cancer (EGFR). Identifiers: MedGen CN130014.

Submission:

Labcorp Genetics (formerly Invitae), Labcorp
Classification: Uncertain significance for EGFR-related lung cancer. Last evaluated: 2023-01-28. Review status: criteria provided, single submitter. Criteria: Invitae Variant Classification Sherloc (09022015). Collection method: clinical testing. Allele origin: germline.
Comment: In summary, the available evidence is currently insufficient to determine the role of this variant in disease. Therefore, it has been classified as a Variant of Uncertain Significance. Advanced modeling of protein sequence and biophysical properties (such as structural, functional, and spatial information, amino acid conservation, physicochemical variation, residue mobility, and thermodynamic stability) performed at Invitae indicates that this missense variant is not expected to disrupt EGFR protein function. This variant has not been reported in the literature in individuals affected with EGFR-related conditions. This variant is not present in population databases (gnomAD no frequency). This sequence change replaces alanine, which is neutral and non-polar, with valine, which is neutral and non-polar, at codon 750 of the EGFR protein (p.Ala750Val).

NM_005228.5(EGFR):c.2249C>T (p.Ala750Val)

Gene: EGFR (epidermal growth factor receptor; plus strand). Cytogenetic location: 7p11.2.
Variant type: single nucleotide variant.
Coding change: c.2249C>T on transcript NM_005228.5 (MANE Select); coding-DNA position 2249, C replaced by T.
Protein change: p.Ala750Val; replaces alanine 750 with valine.
Molecular consequence: missense variant.
Genome position (GRCh38, 1-based): chr7:55,174,786, C>T. VCF-style: chr7-55174786-C-T. GRCh37 (hg19) VCF-style: chr7-55242479-C-T.
Other names: c.2114C>T, p.Ala705Val (NM_001346897.2, NM_001346899.2); c.2249C>T, p.Ala750Val (NM_001346898.2); c.2090C>T, p.Ala697Val (NM_001346900.2); c.1448C>T, p.Ala483Val (NM_001346941.2); short protein forms A697V, A483V, A750V, A705V.
Identifiers: ClinVar variation 2832383 (VCV002832383.3), dbSNP rs1468115455, ClinGen allele CA367584177.